The following is an entry in ClinVar:

NM_001006630.2(CHRM2):c.44C>A (p.Thr15Lys)

Genes: CHRM2 (cholinergic receptor muscarinic 2; plus strand), LOC349160 (uncharacterized LOC349160; minus strand). Cytogenetic location: 7q33.
Variant type: single nucleotide variant.
Coding change: c.44C>A on transcript NM_001006630.2 (MANE Select); coding-DNA position 44, C replaced by A.
Protein change: p.Thr15Lys; replaces threonine 15 with lysine.
Molecular consequence: missense variant.
Genome position (GRCh38, 1-based): chr7:137,014,909, C>A. VCF-style: chr7-137014909-C-A. GRCh37 (hg19) VCF-style: chr7-136699656-C-A.
Other names: c.44C>A, p.Thr15Lys (NM_000739.3, NM_001006626.3, NM_001006627.3 and 6 more transcripts); short protein forms T15K.
Identifiers: ClinVar variation 941681 (VCV000941681.9), dbSNP rs1805069679, ClinGen allele CA369485617.

ClinVar aggregate classification (germline): Uncertain significance (1 of 4 stars; one submission).

Submission:

Labcorp Genetics (formerly Invitae), Labcorp
Classification: Uncertain significance. Last evaluated: 2022-02-04. Review status: criteria provided, single submitter. Criteria: Invitae Variant Classification Sherloc (09022015). Collection method: clinical testing. Allele origin: germline.
Comment: This sequence change replaces threonine, which is neutral and polar, with lysine, which is basic and polar, at codon 15 of the CHRM2 protein (p.Thr15Lys). This variant is not present in population databases (gnomAD no frequency). This variant has not been reported in the literature in individuals affected with CHRM2-related conditions. ClinVar contains an entry for this variant (Variation ID: 941681). Algorithms developed to predict the effect of missense changes on protein structure and function are either unavailable or do not agree on the potential impact of this missense change (SIFT: "Tolerated"; PolyPhen-2: "Not Available"; Align-GVGD: "Class C0"). In summary, the available evidence is currently insufficient to determine the role of this variant in disease. Therefore, it has been classified as a Variant of Uncertain Significance.